The following is an entry in ClinVar:

NM_000368.5(TSC1):c.21C>T (p.Val7=)

Gene: TSC1 (TSC complex subunit 1; minus strand). Cytogenetic location: 9q34.13.
Variant type: single nucleotide variant.
Coding change: c.21C>T on transcript NM_000368.5 (MANE Select); coding-DNA position 21, C replaced by T.
Protein change: p.Val7=; no amino-acid change (valine 7 retained).
Molecular consequence: synonymous variant. On other transcripts: 5 prime UTR variant (1).
Genome position (GRCh38, 1-based): chr9:132,928,852, G>A on the plus strand (C>T on the coding strand, the complement: TSC1 is on the minus strand). VCF-style: chr9-132928852-G-A. GRCh37 (hg19) VCF-style: chr9-135804239-G-A.
Other names: c.21C>T, p.Val7= (NM_001162426.2, NM_001162427.2); c.-239C>T (NM_001362177.2).
Identifiers: ClinVar variation 186839 (VCV000186839.25), dbSNP rs145987906, ClinGen allele CA006131.

ClinVar aggregate classification (germline): Benign/Likely benign. Review status: criteria provided, multiple submitters, no conflicts (2 of 4 stars). 9 submissions from 9 submitters: Benign (3); Likely benign (5). 1 of the submissions does not count toward it. Last evaluated 2026-03-13.

Conditions:
TSC1-related disorder. Also called: TSC1-related condition.
Hereditary cancer-predisposing syndrome. Also called: Tumor predisposition; Neoplastic Syndromes, Hereditary; Hereditary Cancer Syndrome; Hereditary neoplastic syndrome. Identifiers: Orphanet 140162, MedGen C0027672, MeSH D009386, MONDO:0015356.
Tuberous sclerosis syndrome (TSC). Also called: Tuberous Sclerosis Complex; Tuberous sclerosis. Identifiers: Orphanet 805, MedGen C0041341, MONDO:0001734.
Tuberous sclerosis 1 (TSC1). Identifiers: Orphanet 805, MedGen C1854465, MONDO:0008612, OMIM 191100.

Allele frequency attached by ClinVar (database versions not stated): TOPMed 0.00002; 1000 Genomes Project 30x 0.00016.

Submissions (9):

Women's Health and Genetics/Laboratory Corporation of America, LabCorp
Classification: Likely benign. Last evaluated: 2026-03-13. Review status: criteria provided, single submitter. Criteria: LabCorp Variant Classification Summary - May 2015. Collection method: clinical testing. Allele origin: germline.

Labcorp Genetics (formerly Invitae), Labcorp
Classification: Benign for Tuberous sclerosis 1. Last evaluated: 2025-12-23. Review status: criteria provided, single submitter. Criteria: Invitae Variant Classification Sherloc (09022015). Collection method: clinical testing. Allele origin: germline.

Myriad Genetics, Inc.
Classification: Benign for Tuberous sclerosis 1. Last evaluated: 2025-04-07. Review status: criteria provided, single submitter. Criteria: Myriad Autosomal Dominant, Autosomal Recessive and X-Linked Classification Criteria (2023). Collection method: clinical testing. Allele origin: unknown.
Comment: This variant is considered benign. This variant is a silent/synonymous amino acid change and it is not expected to impact splicing.

All of Us Research Program, National Institutes of Health
Classification: Likely benign for Tuberous sclerosis syndrome. Last evaluated: 2024-07-20. Review status: criteria provided, single submitter. Criteria: ACMG Guidelines, 2015. Collection method: clinical testing. Allele origin: germline. Inheritance: Autosomal dominant inheritance. Observed: 1 variant allele, 1 heterozygote.
Comment: This study involves interpretation of variants in research participants for the purpose of population health screening. Participant phenotype was not available at the time of variant classification. Additional details can be found in publication PMID: 35346344, PMCID: PMC8962531

Color Diagnostics, LLC DBA Color Health
Classification: Likely benign for Tuberous sclerosis syndrome. Last evaluated: 2022-05-13. Review status: criteria provided, single submitter. Criteria: ACMG Guidelines, 2015. Collection method: clinical testing. Allele origin: germline.

Genome-Nilou Lab
Classification: Benign for Tuberous sclerosis 1. Last evaluated: 2021-11-07. Review status: criteria provided, single submitter. Criteria: ACMG Guidelines, 2015. Collection method: clinical testing. Allele origin: germline. Affected: no.

GeneDx
Classification: Likely benign. Last evaluated: 2020-01-07. Review status: criteria provided, single submitter. Criteria: GeneDx Variant Classification Process June 2021. Collection method: clinical testing. Allele origin: germline. Affected: yes.

Ambry Genetics
Classification: Likely benign for Hereditary cancer-predisposing syndrome. Last evaluated: 2014-10-22. Review status: criteria provided, single submitter. Criteria: Ambry Variant Classification Scheme 2023. Collection method: clinical testing. Allele origin: germline.

PreventionGenetics, part of Exact Sciences
Classification: Likely benign for TSC1-related condition. Last evaluated: 2020-10-07. Review status: no assertion criteria provided. Collection method: clinical testing. Allele origin: germline. Not counted in ClinVar's aggregate classification.
Comment: This variant is classified as likely benign based on ACMG/AMP sequence variant interpretation guidelines (Richards et al. 2015 PMID: 25741868, with internal and published modifications).